The following is an entry in ClinVar:

NM_003640.5(ELP1):c.1688A>G (p.Asn563Ser)

Gene: ELP1 (elongator acetyltransferase complex subunit 1; minus strand). Cytogenetic location: 9q31.3.
Variant type: single nucleotide variant.
Coding change: c.1688A>G on transcript NM_003640.5 (MANE Select); coding-DNA position 1688, A replaced by G.
Protein change: p.Asn563Ser; replaces asparagine 563 with serine.
Molecular consequence: missense variant.
Genome position (GRCh38, 1-based): chr9:108,903,625, T>C on the plus strand (A>G on the coding strand, the complement: ELP1 is on the minus strand). VCF-style: chr9-108903625-T-C. GRCh37 (hg19) VCF-style: chr9-111665905-T-C.
Other names: c.1346A>G, p.Asn449Ser (NM_001318360.2); c.641A>G, p.Asn214Ser (NM_001330749.2); short protein forms N563S, N214S, N449S.
Identifiers: ClinVar variation 3680183 (VCV003680183.2).
Genomic context (GRCh38, chr9:108,903,625, plus strand): 5'-CAAAGGTACTTAAATATCTGGCCATCAGCCAGCTGTAATACTACTGACTTGGTCTTGGAA[T>C]TGCAACATAGACTGATTATGACCCCATCCACCGCTGCAGATGAACTGACAAAAAAAAGGA-3'
Protein context (NP_003631.2, residues 553-573): VDGVIISLCC[Asn563Ser]SKTKSVVLQL

ClinVar aggregate classification (germline): Uncertain significance (1 of 4 stars; one submission).

Submission:

Labcorp Genetics (formerly Invitae), Labcorp
Classification: Uncertain significance. Last evaluated: 2024-10-27. Review status: criteria provided, single submitter. Criteria: Invitae Variant Classification Sherloc (09022015). Collection method: clinical testing. Allele origin: germline.
Comment: This sequence change replaces asparagine, which is neutral and polar, with serine, which is neutral and polar, at codon 563 of the ELP1 protein (p.Asn563Ser). This variant is not present in population databases (gnomAD no frequency). This variant has not been reported in the literature in individuals affected with ELP1-related conditions. Invitae Evidence Modeling of protein sequence and biophysical properties (such as structural, functional, and spatial information, amino acid conservation, physicochemical variation, residue mobility, and thermodynamic stability) indicates that this missense variant is not expected to disrupt ELP1 protein function with a negative predictive value of 80%. In summary, the available evidence is currently insufficient to determine the role of this variant in disease. Therefore, it has been classified as a Variant of Uncertain Significance.